The following is an entry in ClinVar:

NM_001042545.2(LTBP4):c.419C>T (p.Ala140Val)

Gene: LTBP4 (latent transforming growth factor beta binding protein 4; plus strand). Cytogenetic location: 19q13.2.
Variant type: single nucleotide variant.
Coding change: c.419C>T on transcript NM_001042545.2 (MANE Select); coding-DNA position 419, C replaced by T.
Protein change: p.Ala140Val; replaces alanine 140 with valine.
Molecular consequence: missense variant.
Genome position (GRCh38, 1-based): chr19:40,605,203, C>T. VCF-style: chr19-40605203-C-T. GRCh37 (hg19) VCF-style: chr19-41111109-C-T.
Other names: c.620C>T, p.Ala207Val (NM_001042544.1); c.509C>T, p.Ala170Val (NM_003573.2); short protein forms A140V, A207V, A170V.
Identifiers: ClinVar variation 1945305 (VCV001945305.4), dbSNP rs762168425, ClinGen allele CA9448021.
Genomic context (GRCh38, chr19:40,605,203, plus strand): 5'-CCCGGCCCCCGGCCCCGGCTGTACCAGGCCTCACCCGCTCCGTGTACACTATGCCACTGG[C>T]CAACCACCGCGACGACGAGCACGGTGAGGAAAGGGTGGCCAGAGTCCCCTCCGACCCCTG-3'
Protein context (NP_001036010.1, residues 130-150): LTRSVYTMPL[Ala140Val]NHRDDEHGVA

ClinVar aggregate classification (germline): Uncertain significance (1 of 4 stars; one submission).

Allele frequency attached by ClinVar (database versions not stated): TOPMed 0.00001; gnomAD 0.00002; gnomAD exomes 0.00002; ExAC 0.00006.
gnomAD v4.1: 34 of 1,601,292 alleles (0.0021%); highest among the groups gnomAD compares: South Asian, 0.026%; no homozygotes.

Submission:

Labcorp Genetics (formerly Invitae), Labcorp
Classification: Uncertain significance. Last evaluated: 2022-04-24. Review status: criteria provided, single submitter. Criteria: Invitae Variant Classification Sherloc (09022015). Collection method: clinical testing. Allele origin: germline.
Comment: In summary, the available evidence is currently insufficient to determine the role of this variant in disease. Therefore, it has been classified as a Variant of Uncertain Significance. Experimental studies and prediction algorithms are not available or were not evaluated, and the functional significance of this variant is currently unknown. This variant has not been reported in the literature in individuals affected with LTBP4-related conditions. This variant is present in population databases (rs762168425, gnomAD 0.03%). This sequence change replaces alanine, which is neutral and non-polar, with valine, which is neutral and non-polar, at codon 170 of the LTBP4 protein (p.Ala170Val).